The following is an entry in ClinVar:

ClinVar aggregate classification (germline): Pathogenic (1 of 4 stars; one submission).

Submission:

Labcorp Genetics (formerly Invitae), Labcorp
Classification: Pathogenic. Last evaluated: 2024-03-30. Review status: criteria provided, single submitter. Criteria: Invitae Variant Classification Sherloc (09022015). Collection method: clinical testing. Allele origin: germline.
Comment: This sequence change creates a premature translational stop signal (p.Asn650Phefs*6) in the CCDC88A gene. It is expected to result in an absent or disrupted protein product. Loss-of-function variants in CCDC88A are known to be pathogenic (PMID: 26917597, 30392057). This variant is not present in population databases (gnomAD no frequency). This variant has not been reported in the literature in individuals affected with CCDC88A-related conditions. For these reasons, this variant has been classified as Pathogenic.

Literature cited by the submitters: PubMed 26917597; PubMed 30392057.

NM_001365480.1(CCDC88A):c.1947_1948del (p.Asn650fs)

Gene: CCDC88A (coiled-coil and HOOK domain protein 88A; minus strand). Cytogenetic location: 2p16.1.
Variant type: Deletion.
Coding change: c.1947_1948del on transcript NM_001365480.1 (MANE Select); coding-DNA positions 1947 to 1948, 2 bases deleted (TA; older notation c.1947_1948delTA).
Protein change: p.Asn650fs; shifts the reading frame from asparagine 650.
Molecular consequence: frameshift variant.
Genome position (GRCh38, 1-based): chr2:55,334,873-55,334,874, TA deleted on the plus strand (TA on the coding strand, the reverse complement: CCDC88A is on the minus strand). VCF-style (leftmost placement, unchanged base first): chr2-55334872-TTA-T. GRCh37 (hg19) VCF-style: chr2-55562008-TTA-T.
Other names: c.1947_1948del, p.Asn650fs (NM_001135597.2, NM_001254943.2, NM_018084.5); short protein forms N650fs.
Identifiers: ClinVar variation 3648183 (VCV003648183.2).
Genomic context (GRCh38, chr2:55,334,872, plus strand): 5'-CTTTCTAGCTCTGAATTTTCTTGTTCTAAGGCCTCAATTTTTTCACAAGTAATTTTTAAA[TTA>T]GTTATTTTTTTCTGTAATAATTCATTTTCTTTTTCAAGATGATGCAATTCATTTTCAAGT-3'